The following is an entry in ClinVar:

NM_001330311.2(DVL1):c.1045G>A (p.Val349Ile)

Gene: DVL1 (dishevelled segment polarity protein 1; minus strand). Cytogenetic location: 1p36.33.
Variant type: single nucleotide variant.
Coding change: c.1045G>A on transcript NM_001330311.2 (MANE Select); coding-DNA position 1045, G replaced by A.
Protein change: p.Val349Ile; replaces valine 349 with isoleucine.
Molecular consequence: missense variant.
Genome position (GRCh38, 1-based): chr1:1,339,591, C>T on the plus strand (G>A on the coding strand, the complement: DVL1 is on the minus strand). VCF-style: chr1-1339591-C-T. GRCh37 (hg19) VCF-style: chr1-1274971-C-T.
Other names: c.1045G>A, p.Val349Ile (NM_004421.3); c.1045G>A (NM_004421.2); short protein forms V349I.
Identifiers: ClinVar variation 3611889 (VCV003611889.4).

ClinVar aggregate classification (germline): Conflicting classifications of pathogenicity. Review status: criteria provided, conflicting classifications (1 of 4 stars). 3 submissions from 3 submitters: Uncertain significance (1); Likely benign (2). Last evaluated 2025-08-06.

Conditions:
Inborn genetic diseases. Identifiers: MedGen C0950123, MeSH D030342.

gnomAD v4.1: 14 of 1,606,874 alleles (0.00087%); highest among the groups gnomAD compares: East Asian, 0.0045%; no homozygotes.

Submissions (3):

Ambry Genetics
Classification: Likely benign for Inborn genetic diseases. Last evaluated: 2025-08-06. Review status: criteria provided, single submitter. Criteria: Ambry Variant Classification Scheme 2023. Collection method: clinical testing. Allele origin: germline.

Labcorp Genetics (formerly Invitae), Labcorp
Classification: Uncertain significance. Last evaluated: 2024-11-19. Review status: criteria provided, single submitter. Criteria: Invitae Variant Classification Sherloc (09022015). Collection method: clinical testing. Allele origin: germline.
Comment: This sequence change replaces valine, which is neutral and non-polar, with isoleucine, which is neutral and non-polar, at codon 349 of the DVL1 protein (p.Val349Ile). The frequency data for this variant in the population databases is considered unreliable, as metrics indicate poor data quality at this position in the gnomAD database. This variant has not been reported in the literature in individuals affected with DVL1-related conditions. Invitae Evidence Modeling of protein sequence and biophysical properties (such as structural, functional, and spatial information, amino acid conservation, physicochemical variation, residue mobility, and thermodynamic stability) indicates that this missense variant is not expected to disrupt DVL1 protein function with a negative predictive value of 80%. In summary, the available evidence is currently insufficient to determine the role of this variant in disease. Therefore, it has been classified as a Variant of Uncertain Significance.

Blueprint Genetics
Classification: Likely benign. Last evaluated: 2019-01-09. Review status: criteria provided, single submitter. Criteria: ACMG Guidelines, 2015. Collection method: clinical testing. Allele origin: germline.